The following is an entry in ClinVar:

ClinVar aggregate classification (germline): Uncertain significance (1 of 4 stars; one submission).

gnomAD v4.1: 51 of 1,431,216 alleles (0.0036%); highest among the groups gnomAD compares: Admixed American, 0.0091%; no homozygotes.

Submission:

GeneDx
Classification: Uncertain significance. Last evaluated: 2024-07-16. Review status: criteria provided, single submitter. Criteria: GeneDx Variant Classification Process June 2021. Collection method: clinical testing. Allele origin: germline. Affected: yes.
Comment: Not observed at significant frequency in large population cohorts (gnomAD); In silico analysis indicates that this variant does not alter splicing; Has not been previously published as pathogenic or benign to our knowledge

NM_032380.5(GFM2):c.930+3A>G

Gene: GFM2 (GTP dependent ribosome recycling factor mitochondrial 2; minus strand). Cytogenetic location: 5q13.3.
Variant type: single nucleotide variant.
Coding change: c.930+3A>G on transcript NM_032380.5 (MANE Select); 3 bases into the intron after coding-DNA position 930, A replaced by G.
Molecular consequence: intron variant.
Genome position (GRCh38, 1-based): chr5:74,741,526, T>C on the plus strand (A>G on the coding strand, the complement: GFM2 is on the minus strand). VCF-style: chr5-74741526-T-C. GRCh37 (hg19) VCF-style: chr5-74037351-T-C.
Other names: c.930+3A>G (NM_170691.3, NM_170681.3); c.1026+3A>G (NM_001281302.2).
Identifiers: ClinVar variation 3573785 (VCV003573785.1).